The following is an entry in ClinVar:

NM_000093.5(COL5A1):c.4523C>G (p.Pro1508Arg)

Genes: COL5A1 (collagen type V alpha 1 chain; plus strand), LOC101448202 (uncharacterized LOC101448202; minus strand). Cytogenetic location: 9q34.3.
Variant type: single nucleotide variant.
Coding change: c.4523C>G on transcript NM_000093.5 (MANE Select); coding-DNA position 4523, C replaced by G.
Protein change: p.Pro1508Arg; replaces proline 1508 with arginine.
Molecular consequence: missense variant. On other transcripts: non-coding transcript variant (1).
Genome position (GRCh38, 1-based): chr9:134,820,192, C>G. VCF-style: chr9-134820192-C-G. GRCh37 (hg19) VCF-style: chr9-137712038-C-G.
Other names: c.4523C>G, p.Pro1508Arg (NM_001278074.1); short protein forms P1508R.
Identifiers: ClinVar variation 3230316 (VCV003230316.2), dbSNP rs144384167, ClinGen allele CA375457875.

ClinVar aggregate classification (germline): Uncertain significance. Review status: criteria provided, multiple submitters, no conflicts (2 of 4 stars). 2 submissions from 2 submitters: Uncertain significance (2). Last evaluated 2025-06-08.

Conditions:
Familial thoracic aortic aneurysm and aortic dissection (TAAD). Also called: Thoracic aortic aneurysms and dissections. Identifiers: Orphanet 91387, MedGen C4707243, MONDO:0019625.
Ehlers-Danlos syndrome, classic type, 1 (EDSCL1). Also called: EHLERS-DANLOS SYNDROME, GRAVIS TYPE; EHLERS-DANLOS SYNDROME, SEVERE CLASSIC TYPE; Ehlers-Danlos syndrome, type 1; Ehlers-Danlos Syndrome, Classic Type, COL5A1-Related; EDS I. Identifiers: MedGen C0268335, MONDO:0019567, OMIM 130000.

Submissions (2):

Labcorp Genetics (formerly Invitae), Labcorp
Classification: Uncertain significance for Ehlers-Danlos syndrome, classic type, 1. Last evaluated: 2025-06-08. Review status: criteria provided, single submitter. Criteria: Invitae Variant Classification Sherloc (09022015). Collection method: clinical testing. Allele origin: germline.
Comment: This sequence change replaces proline, which is neutral and non-polar, with arginine, which is basic and polar, at codon 1508 of the COL5A1 protein (p.Pro1508Arg). This variant is not present in population databases (gnomAD no frequency). This variant has not been reported in the literature in individuals affected with COL5A1-related conditions. ClinVar contains an entry for this variant (Variation ID: 3230316). Invitae Evidence Modeling of protein sequence and biophysical properties (such as structural, functional, and spatial information, amino acid conservation, physicochemical variation, residue mobility, and thermodynamic stability) indicates that this missense variant is not expected to disrupt COL5A1 protein function with a negative predictive value of 95%. In summary, the available evidence is currently insufficient to determine the role of this variant in disease. Therefore, it has been classified as a Variant of Uncertain Significance.

Ambry Genetics
Classification: Uncertain significance for Familial thoracic aortic aneurysm and aortic dissection. Last evaluated: 2024-02-01. Review status: criteria provided, single submitter. Criteria: Ambry Variant Classification Scheme 2023. Collection method: clinical testing. Allele origin: germline.
Comment: The p.P1508R variant (also known as c.4523C>G), located in coding exon 58 of the COL5A1 gene, results from a C to G substitution at nucleotide position 4523. The proline at codon 1508 is replaced by arginine, an amino acid with dissimilar properties. This amino acid position is highly conserved in available vertebrate species. In addition, this alteration is predicted to be deleterious by in silico analysis. Based on the available evidence, the clinical significance of this alteration remains unclear.